The following is an entry in ClinVar:

ClinVar aggregate classification (germline): Uncertain significance. Review status: criteria provided, multiple submitters, no conflicts (2 of 4 stars). 2 submissions from 2 submitters: Uncertain significance (2). Last evaluated 2024-10-29.

Allele frequency attached by ClinVar (database versions not stated): gnomAD exomes below 0.00001 and 0.00001.
gnomAD v4.1: 15 of 1,614,184 alleles (0.00093%); highest among the groups gnomAD compares: Non-Finnish European, 0.0013%; no homozygotes.

Submissions (2):

Labcorp Genetics (formerly Invitae), Labcorp
Classification: Uncertain significance. Last evaluated: 2024-10-29. Review status: criteria provided, single submitter. Criteria: Invitae Variant Classification Sherloc (09022015). Collection method: clinical testing. Allele origin: germline.
Comment: This sequence change replaces isoleucine, which is neutral and non-polar, with threonine, which is neutral and polar, at codon 512 of the TUB protein (p.Ile512Thr). This variant is present in population databases (no rsID available, gnomAD 0.0009%). This variant has not been reported in the literature in individuals affected with TUB-related conditions. ClinVar contains an entry for this variant (Variation ID: 1483939). An algorithm developed to predict the effect of missense changes on protein structure and function (PolyPhen-2) suggests that this variant is likely to be disruptive. In summary, the available evidence is currently insufficient to determine the role of this variant in disease. Therefore, it has been classified as a Variant of Uncertain Significance.

Blueprint Genetics
Classification: Uncertain significance. Last evaluated: 2022-10-10. Review status: criteria provided, single submitter. Criteria: ACMG Guidelines, 2015. Collection method: clinical testing. Allele origin: germline.

NM_177972.3(TUB):c.1370T>C (p.Ile457Thr)

Genes: RIC3 (RIC3 acetylcholine receptor chaperone; minus strand), TUB (TUB bipartite transcription factor; plus strand). Cytogenetic location: 11p15.4.
Variant type: single nucleotide variant.
Coding change: c.1370T>C on transcript NM_177972.3 (MANE Select); coding-DNA position 1370, T replaced by C.
Protein change: p.Ile457Thr; replaces isoleucine 457 with threonine.
Molecular consequence: missense variant.
Genome position (GRCh38, 1-based): chr11:8,100,980, T>C. VCF-style: chr11-8100980-T-C. GRCh37 (hg19) VCF-style: chr11-8122527-T-C.
Other names: c.1535T>C, p.Ile512Thr (NM_003320.5); short protein forms I512T, I457T.
Identifiers: ClinVar variation 1483939 (VCV001483939.6), dbSNP rs1296073217, ClinGen allele CA379572258.
Genomic context (GRCh38, chr11:8,100,980, plus strand): 5'-AGTCCTATGTACTCAACTTCCATGGGCGCGTCACACAGGCCTCCGTGAAGAACTTCCAGA[T>C]CATCCATGGCAATGACCGTGAGTGTTTCTGTCCCTACTCATTATGGTCCGTAGGATACCC-3'
Protein context (NP_813977.1, residues 447-467): VTQASVKNFQ[Ile457Thr]IHGNDPDYIV